The following is an entry in ClinVar:

NM_005751.5(AKAP9):c.1405G>A (p.Gly469Arg)

Gene: AKAP9 (A-kinase anchoring protein 9; plus strand). Cytogenetic location: 7q21.2.
Variant type: single nucleotide variant.
Coding change: c.1405G>A on transcript NM_005751.5 (MANE Select); coding-DNA position 1405, G replaced by A.
Protein change: p.Gly469Arg; replaces glycine 469 with arginine.
Molecular consequence: missense variant.
Genome position (GRCh38, 1-based): chr7:92,001,322, G>A. VCF-style: chr7-92001322-G-A. GRCh37 (hg19) VCF-style: chr7-91630636-G-A.
Other names: c.1405G>A, p.Gly469Arg (NM_147185.3); short protein forms G469R.
Identifiers: ClinVar variation 1968087 (VCV001968087.6), dbSNP rs2484689877, ClinGen allele CA368121714.
Genomic context (GRCh38, chr7:92,001,322, plus strand): 5'-AAACAAGAATTAATAAGACAACACATGGCACAGATGGAGGAAATGAAAACACGGCATAAG[G>A]GAGAAATGGAGAATGCTTTAAGGTCATATTCAAATATTACAGTTAATGAAGATCAGATAA-3'
Protein context (NP_005742.4, residues 459-479): QMEEMKTRHK[Gly469Arg]EMENALRSYS

ClinVar aggregate classification (germline): Conflicting classifications of pathogenicity. Review status: criteria provided, conflicting classifications (1 of 4 stars). 2 submissions from 2 submitters: Uncertain significance (1); Likely benign (1). Last evaluated 2026-03-17.

Conditions:
Long QT syndrome (LQTS). Identifiers: MedGen C0023976, MeSH D008133, MONDO:0002442. Disease mechanism: loss of function. Inheritance: Various modes of inheritance.
Cardiovascular phenotype. Identifiers: MedGen CN230736.

Allele frequency attached by ClinVar (database versions not stated): gnomAD exomes below 0.00001.
gnomAD v4.1: 1 of 1,613,812 alleles (0.000062%); highest among the groups gnomAD compares: Non-Finnish European, 0.000085%; no homozygotes.

Submissions (2):

Ambry Genetics
Classification: Likely benign for Cardiovascular phenotype. Last evaluated: 2026-03-17. Review status: criteria provided, single submitter. Criteria: Ambry Variant Classification Scheme 2023. Collection method: clinical testing. Allele origin: germline.

Labcorp Genetics (formerly Invitae), Labcorp
Classification: Uncertain significance for Long QT syndrome. Last evaluated: 2022-11-01. Review status: criteria provided, single submitter. Criteria: Invitae Variant Classification Sherloc (09022015). Collection method: clinical testing. Allele origin: germline.
Comment: This variant has not been reported in the literature in individuals affected with AKAP9-related conditions. This variant is not present in population databases (gnomAD no frequency). In summary, the available evidence is currently insufficient to determine the role of this variant in disease. Therefore, it has been classified as a Variant of Uncertain Significance. Algorithms developed to predict the effect of missense changes on protein structure and function output the following: SIFT: "Tolerated"; PolyPhen-2: "Benign"; Align-GVGD: "Class C0". The arginine amino acid residue is found in multiple mammalian species, which suggests that this missense change does not adversely affect protein function. This sequence change replaces glycine, which is neutral and non-polar, with arginine, which is basic and polar, at codon 469 of the AKAP9 protein (p.Gly469Arg).